The following is an entry in ClinVar:

NM_005505.5(SCARB1):c.1009+4C>T

Gene: SCARB1 (scavenger receptor class B member 1; minus strand). Cytogenetic location: 12q24.31.
Variant type: single nucleotide variant.
Coding change: c.1009+4C>T on transcript NM_005505.5 (MANE Select); 4 bases into the intron after coding-DNA position 1009, C replaced by T.
Molecular consequence: intron variant.
Genome position (GRCh38, 1-based): chr12:124,807,757, G>A on the plus strand (C>T on the coding strand, the complement: SCARB1 is on the minus strand). VCF-style: chr12-124807757-G-A. GRCh37 (hg19) VCF-style: chr12-125292303-G-A.
Other names: c.726+4113C>T (NM_001367988.1); c.985+4C>T (NM_001367985.1); c.1004+9C>T (NM_001367987.1); c.1009+4C>T (NM_001367986.1, NM_001082959.2, NM_001367984.1 and 3 more transcripts); c.886+4C>T (NM_001367982.1).
Identifiers: ClinVar variation 3708031 (VCV003708031.2).
Genomic context (GRCh38, chr12:124,807,757, plus strand): 5'-TAAACCCTCAGCTGGCCCCACCCTCACACCCTCCCGCCATCCCAGCACAGGGGACGGCAC[G>A]TACTGAACCTGCAGGTGCTGACGTTCTGAATTCCAGACTCCAGGCACGGGCAGAAGCCTT-3'

ClinVar aggregate classification (germline): Uncertain significance (1 of 4 stars; one submission).

gnomAD v4.1: 22 of 1,613,884 alleles (0.0014%); highest among the groups gnomAD compares: South Asian, 0.0055%; no homozygotes.

Submission:

Labcorp Genetics (formerly Invitae), Labcorp
Classification: Uncertain significance. Last evaluated: 2024-05-06. Review status: criteria provided, single submitter. Criteria: Invitae Variant Classification Sherloc (09022015). Collection method: clinical testing. Allele origin: germline.
Comment: This sequence change falls in intron 7 of the SCARB1 gene. It does not directly change the encoded amino acid sequence of the SCARB1 protein. It affects a nucleotide within the consensus splice site. This variant is present in population databases (rs370912411, gnomAD 0.003%). This variant has not been reported in the literature in individuals affected with SCARB1-related conditions. Variants that disrupt the consensus splice site are a relatively common cause of aberrant splicing (PMID: 17576681, 9536098). Algorithms developed to predict the effect of sequence changes on RNA splicing suggest that this variant may disrupt the consensus splice site. In summary, the available evidence is currently insufficient to determine the role of this variant in disease. Therefore, it has been classified as a Variant of Uncertain Significance.

Literature cited by the submitters: PubMed 17576681; PubMed 9536098.